The following is an entry in ClinVar:

NM_032242.4(PLXNA1):c.1233C>T (p.Phe411=)

Gene: PLXNA1 (plexin A1; plus strand). Cytogenetic location: 3q21.3.
Variant type: single nucleotide variant.
Coding change: c.1233C>T on transcript NM_032242.4 (MANE Select); coding-DNA position 1233, C replaced by T.
Protein change: p.Phe411=; no amino-acid change (phenylalanine 411 retained).
Molecular consequence: synonymous variant.
Genome position (GRCh38, 1-based): chr3:126,991,422, C>T. VCF-style: chr3-126991422-C-T. GRCh37 (hg19) VCF-style: chr3-126710265-C-T.
Identifiers: ClinVar variation 4999545 (VCV004999545.1).
Genomic context (GRCh38, chr3:126,991,422, plus strand): 5'-CTCACCCTGCCCCTTCCCACAGCCCCTGCAGATCGATGACGACTTCTGCGGGCAGGACTT[C>T]AACCAGCCCCTGGGGGGCACAGTCACCATTGAGGGGACGCCCCTGTTCGTGGACAAGGAT-3'
Protein context (NP_115618.3, residues 401-421): QIDDDFCGQD[Phe411=]NQPLGGTVTI

ClinVar aggregate classification (germline): Likely benign (1 of 4 stars; one submission).

Conditions:
PLXNA1-related disorder. Also called: PLXNA1-related condition.

Submission:

PreventionGenetics, part of Exact Sciences
Classification: Likely benign for PLXNA1-related condition. Last evaluated: 2025-05-15. Review status: criteria provided, single submitter. Criteria: ACMG Guidelines, 2015. Collection method: clinical testing. Allele origin: germline.
Comment: This variant is classified as likely benign based on ACMG/AMP sequence variant interpretation guidelines (Richards et al. 2015 PMID: 25741868, with internal and published modifications).